The following is an entry in ClinVar:

NM_001378609.3(OTOGL):c.4940T>C (p.Val1647Ala)

Gene: OTOGL (otogelin like; plus strand). Cytogenetic location: 12q21.31.
Variant type: single nucleotide variant.
Coding change: c.4940T>C on transcript NM_001378609.3 (MANE Select); coding-DNA position 4940, T replaced by C.
Protein change: p.Val1647Ala; replaces valine 1647 with alanine.
Molecular consequence: missense variant.
Genome position (GRCh38, 1-based): chr12:80,339,154, T>C. VCF-style: chr12-80339154-T-C. GRCh37 (hg19) VCF-style: chr12-80732934-T-C.
Other names: c.4805T>C, p.Val1602Ala (NM_001368062.3); c.4940T>C, p.Val1647Ala (NM_001378610.3, NM_173591.7); short protein forms V1602A, V1647A.
Identifiers: ClinVar variation 3900763 (VCV003900763.3).

ClinVar aggregate classification (germline): Uncertain significance. Review status: criteria provided, multiple submitters, no conflicts (2 of 4 stars). 3 submissions from 3 submitters: Uncertain significance (3). Last evaluated 2025-11-03.

Conditions:
Inborn genetic diseases. Identifiers: MedGen C0950123, MeSH D030342.

gnomAD v4.1: 24 of 1,610,812 alleles (0.0015%); highest among the groups gnomAD compares: Admixed American, 0.015%; 1 homozygote.

Submissions (3):

Ambry Genetics
Classification: Uncertain significance for Inborn genetic diseases. Last evaluated: 2025-11-03. Review status: criteria provided, single submitter. Criteria: Ambry Variant Classification Scheme 2023. Collection method: clinical testing. Allele origin: germline.

GeneDx
Classification: Uncertain significance. Last evaluated: 2024-12-02. Review status: criteria provided, single submitter. Criteria: GeneDx Variant Classification Process June 2021. Collection method: clinical testing. Allele origin: germline. Affected: yes.
Comment: In silico analysis supports that this missense variant has a deleterious effect on protein structure/function; Has not been previously published as pathogenic or benign to our knowledge

Blueprint Genetics
Classification: Uncertain significance. Last evaluated: 2019-06-06. Review status: criteria provided, single submitter. Criteria: ACMG Guidelines, 2015. Collection method: clinical testing. Allele origin: germline.